The following is an entry in ClinVar:

ClinVar aggregate classification (germline): Uncertain significance. Review status: criteria provided, multiple submitters, no conflicts (2 of 4 stars). 2 submissions from 2 submitters: Uncertain significance (2). Last evaluated 2025-01-24.

Conditions:
Inborn genetic diseases. Identifiers: MedGen C0950123, MeSH D030342.
Fanconi anemia (FA). Also called: Fanconi's anemia. Identifiers: Orphanet 84, MedGen C0015625, MeSH D005199, MONDO:0019391.

Allele frequency attached by ClinVar (database versions not stated): gnomAD exomes below 0.00001; TOPMed below 0.00001.
gnomAD v4.1: 1 of 1,614,160 alleles (0.000062%); highest among the groups gnomAD compares: Non-Finnish European, 0.000085%; no homozygotes.

Submissions (2):

Ambry Genetics
Classification: Uncertain significance for Inborn genetic diseases. Last evaluated: 2025-01-24. Review status: criteria provided, single submitter. Criteria: Ambry Variant Classification Scheme 2023. Collection method: clinical testing. Allele origin: germline.

Labcorp Genetics (formerly Invitae), Labcorp
Classification: Uncertain significance for Fanconi anemia. Last evaluated: 2022-08-09. Review status: criteria provided, single submitter. Criteria: Invitae Variant Classification Sherloc (09022015). Collection method: clinical testing. Allele origin: germline.
Comment: This sequence change replaces glycine, which is neutral and non-polar, with aspartic acid, which is acidic and polar, at codon 467 of the FANCG protein (p.Gly467Asp). This variant is not present in population databases (gnomAD no frequency). This variant has not been reported in the literature in individuals affected with FANCG-related conditions. Algorithms developed to predict the effect of missense changes on protein structure and function are either unavailable or do not agree on the potential impact of this missense change (SIFT: "Tolerated"; PolyPhen-2: "Possibly Damaging"; Align-GVGD: "Class C0"). In summary, the available evidence is currently insufficient to determine the role of this variant in disease. Therefore, it has been classified as a Variant of Uncertain Significance.

NM_004629.2(FANCG):c.1400G>A (p.Gly467Asp)

Gene: FANCG (FA complementation group G; minus strand). Cytogenetic location: 9p13.3.
Variant type: single nucleotide variant.
Coding change: c.1400G>A on transcript NM_004629.2 (MANE Select); coding-DNA position 1400, G replaced by A.
Protein change: p.Gly467Asp; replaces glycine 467 with aspartic acid.
Molecular consequence: missense variant.
Genome position (GRCh38, 1-based): chr9:35,075,498, C>T on the plus strand (G>A on the coding strand, the complement: FANCG is on the minus strand). VCF-style: chr9-35075498-C-T. GRCh37 (hg19) VCF-style: chr9-35075495-C-T.
Other names: short protein forms G467D.
Identifiers: ClinVar variation 2188708 (VCV002188708.2), dbSNP rs1829065651, ClinGen allele CA373306862.